The following is an entry in ClinVar:

NM_000124.4(ERCC6):c.810C>T (p.Gly270=)

Gene: ERCC6 (ERCC excision repair 6, chromatin remodeling factor; minus strand). Cytogenetic location: 10q11.23.
Variant type: single nucleotide variant.
Coding change: c.810C>T on transcript NM_000124.4 (MANE Select); coding-DNA position 810, C replaced by T.
Protein change: p.Gly270=; no amino-acid change (glycine 270 retained).
Molecular consequence: synonymous variant.
Genome position (GRCh38, 1-based): chr10:49,524,620, G>A on the plus strand (C>T on the coding strand, the complement: ERCC6 is on the minus strand). VCF-style: chr10-49524620-G-A. GRCh37 (hg19) VCF-style: chr10-50732666-G-A.
Other names: c.810C>T, p.Gly270= (NM_001277058.2, NM_001277059.2, NM_001346440.2).
Identifiers: ClinVar variation 3042612 (VCV003042612.2), dbSNP rs560893826, ClinGen allele CA5496433.

ClinVar aggregate classification (germline): Likely benign (0 of 4 stars; one submission).

Conditions:
ERCC6-related disorder. Also called: ERCC6-related condition; ERCC6-related disorders. Identifiers: MedGen CN239385.

Allele frequency attached by ClinVar (database versions not stated): TOPMed 0.00001; gnomAD 0.00004; 1000 Genomes Project 30x 0.00016; ExAC 0.00017; 1000 Genomes Project 0.00020.
gnomAD v4.1: 119 of 1,614,114 alleles (0.0074%); highest among the groups gnomAD compares: South Asian, 0.13%; 4 homozygotes.

Submission:

PreventionGenetics, part of Exact Sciences
Classification: Likely benign for ERCC6-related condition. Last evaluated: 2019-06-30. Review status: no assertion criteria provided. Collection method: clinical testing. Allele origin: germline.
Comment: This variant is classified as likely benign based on ACMG/AMP sequence variant interpretation guidelines (Richards et al. 2015 PMID: 25741868, with internal and published modifications).